The following is an entry in ClinVar:

NM_004656.4(BAP1):c.1408G>A (p.Gly470Arg)

Gene: BAP1 (BRCA1 associated deubiquitinase 1; minus strand). Cytogenetic location: 3p21.1.
Variant type: single nucleotide variant.
Coding change: c.1408G>A on transcript NM_004656.4 (MANE Select); coding-DNA position 1408, G replaced by A.
Protein change: p.Gly470Arg; replaces glycine 470 with arginine.
Molecular consequence: missense variant.
Genome position (GRCh38, 1-based): chr3:52,403,737, C>T on the plus strand (G>A on the coding strand, the complement: BAP1 is on the minus strand). VCF-style: chr3-52403737-C-T. GRCh37 (hg19) VCF-style: chr3-52437753-C-T.
Other names: short protein forms G470R.
Identifiers: ClinVar variation 133663 (VCV000133663.33), dbSNP rs576538858, ClinGen allele CA157250.
Genomic context (GRCh38, chr3:52,403,737, plus strand): 5'-TGCTGGGGGTGGGTGAGGGCTGCGAGTGTGTGGGCACTGCCACAGCCGGACTCCCAGCCC[C>T]GCTGCTAGTCTTGATGGACAGAGGAATTGAGAGGTCCTTCTGGGACTCTTTGAGCTTCTC-3'
Protein context (NP_004647.1, residues 460-480): SIPLSIKTSS[Gly470Arg]AGSPAVAVPT

ClinVar aggregate classification (germline): Conflicting classifications of pathogenicity. Review status: criteria provided, conflicting classifications (1 of 4 stars). 11 submissions from 11 submitters: Uncertain significance (5); Likely benign (5). 1 of the submissions does not count toward it. Last evaluated 2026-05-08.

Conditions:
BAP1-related disorder. Also called: BAP1-related condition.
Hereditary cancer. Identifiers: MedGen C1333600.
Hereditary cancer-predisposing syndrome. Also called: Neoplastic Syndromes, Hereditary; Tumor predisposition; Hereditary Cancer Syndrome; Hereditary neoplastic syndrome. Identifiers: Orphanet 140162, MedGen C0027672, MeSH D009386, MONDO:0015356.
BAP1-related tumor predisposition syndrome (TPDS1). Also called: TUMOR PREDISPOSITION SYNDROME 1; Tumor susceptibility linked to germline BAP1 mutations; BAP1 tumor predisposition syndrome; COMMON Syndrome. Identifiers: Orphanet 289539, MedGen C3280492, MONDO:0013692, OMIM 614327.

Allele frequency attached by ClinVar (database versions not stated): ExAC 0.00005; gnomAD exomes 0.00007; gnomAD 0.00011 and 0.00012; 1000 Genomes Project 30x 0.00016; 1000 Genomes Project 0.00020; TOPMed 0.00041.

Submissions (11):

PreventionGenetics, part of Exact Sciences
Classification: Uncertain significance for BAP1-related condition. Last evaluated: 2026-05-08. Review status: criteria provided, single submitter. Criteria: ACMG Guidelines, 2015. Collection method: clinical testing. Allele origin: germline.
Comment: The BAP1 c.1408G>A variant is predicted to result in the amino acid substitution p.Gly470Arg. This variant has been reported in one individual with thyroid cancer (Yehia et al. 2018. PubMed ID: 29684080) and as a somatic variant in one individual with uveal melanoma (Sarubi et al. 2019. PubMed ID: 30480620). This variant is reported in 0.023% of alleles in individuals of Latino descent in gnomAD. This variant has conflicting interpretations of pathogenicity in ClinVar ranging from a variant of uncertain significance to likely benign (Variation ID: 133663). Although we suspect that this variant may be benign, at this time, the clinical significance of this variant is uncertain due to the absence of conclusive functional and genetic evidence.

Labcorp Genetics (formerly Invitae), Labcorp
Classification: Uncertain significance for BAP1-related tumor predisposition syndrome. Last evaluated: 2026-01-28. Review status: criteria provided, single submitter. Criteria: Invitae Variant Classification Sherloc (09022015). Collection method: clinical testing. Allele origin: germline.
Comment: This sequence change replaces glycine, which is neutral and non-polar, with arginine, which is basic and polar, at codon 470 of the BAP1 protein (p.Gly470Arg). This variant is present in population databases (rs576538858, gnomAD 0.03%). This missense change has been observed in individual(s) with thyroid carcinoma (PMID: 29684080). ClinVar contains an entry for this variant (Variation ID: 133663). Invitae Evidence Modeling of protein sequence and biophysical properties (such as structural, functional, and spatial information, amino acid conservation, physicochemical variation, residue mobility, and thermodynamic stability) indicates that this missense variant is not expected to disrupt BAP1 protein function with a negative predictive value of 80%. In summary, the available evidence is currently insufficient to determine the role of this variant in disease. Therefore, it has been classified as a Variant of Uncertain Significance.

Dasa
Classification: Likely benign. Last evaluated: 2025-12-04. Review status: criteria provided, single submitter. Criteria: DASA Assertion Criteria. Collection method: clinical testing. Allele origin: germline.
Comment: NM_004656.4(BAP1):c.1408G>A (p.Gly470Arg) is a missense variant that results in the substitution of glycine with arginine. Computational prediction algorithms are consistent with a benign effect. Therefore, based on the currently available evidence, this variant is classified as likely benign.

Quest Diagnostics Nichols Institute San Juan Capistrano
Classification: Uncertain significance. Last evaluated: 2025-07-12. Review status: criteria provided, single submitter. Criteria: Quest Diagnostics criteria. Collection method: clinical testing. Allele origin: unknown.
Comment: The BAP1 c.1408G>A (p.Gly470Arg) variant has been reported in the published literature in an individual with thyroid cancer (PMID: 29684080 (2018)), and in reportedly healthy individuals under the age of 50 (PMID: 24728327 (2014)). The frequency of this variant in the general population (Genome Aggregation Database) is uninformative in the assessment of its pathogenicity. Analysis of this variant using bioinformatics tools for the prediction of the effect of amino acid changes on protein structure and function yielded predictions that this variant is benign. Based on the available information, we are unable to determine the clinical significance of this variant.

Myriad Genetics, Inc.
Classification: Likely benign for BAP1-related tumor predisposition syndrome. Last evaluated: 2024-07-16. Review status: criteria provided, single submitter. Criteria: Myriad Autosomal Dominant, Autosomal Recessive and X-Linked Classification Criteria (2023). Collection method: clinical testing. Allele origin: unknown.
Comment: This variant is considered likely benign. This variant has been observed at a population frequency that is significantly greater than expected given the associated disease prevalence and penetrance.

Mendelics
Classification: Likely benign for Hereditary cancer. Last evaluated: 2024-01-23. Review status: criteria provided, single submitter. Criteria: ACMG Guidelines, 2015. Collection method: clinical testing. Allele origin: unknown.

Ambry Genetics
Classification: Likely benign for Hereditary cancer-predisposing syndrome. Last evaluated: 2023-04-04. Review status: criteria provided, single submitter. Criteria: Ambry Variant Classification Scheme 2023. Collection method: clinical testing. Allele origin: germline.

GeneDx
Classification: Uncertain significance. Last evaluated: 2022-06-21. Review status: criteria provided, single submitter. Criteria: GeneDx Variant Classification Process June 2021. Collection method: clinical testing. Allele origin: germline. Affected: yes.
Comment: In silico analysis supports that this missense variant does not alter protein structure/function; Observed in an individual with thyroid cancer and healthy individuals under age 50 undergoing whole genome sequencing (Bodian 2014, Yehia 2018); This variant is associated with the following publications: (PMID: 30480620, 24728327, 29684080)

Sema4
Classification: Uncertain significance for Hereditary cancer-predisposing syndrome. Last evaluated: 2021-08-31. Review status: criteria provided, single submitter. Criteria: Sema4 Curation Guidelines. Collection method: curation. Allele origin: germline.
Comment: The BAP1 c.1408G>A (p.G470R) variant has been reported in at least 2 individuals with uveal melanoma and thyroid cancer (PMIDs 30480620, 29684080) and in individuals from an ancestrally-diverse healthy population (PMID 24728327). It was observed in 18/251298 chromosomes in the large and broad cohorts of the Genome Aggregation Database (PMID: 32461654). The population frequency of this variant is higher than expected for a pathogenic variant based on disease/syndrome prevalence and penetrance. This variant has been reported in ClinVar (Variation ID 133663). Functional studies have not been performed, and in silico predictions of the variant's effect on protein function are inconclusive. The overall evidence is insufficient to meet ACMG/AMP criteria for classifying it as benign or pathogenic. In summary, the clinical significance of this variant is currently uncertain.

Color Diagnostics, LLC DBA Color Health
Classification: Likely benign for Hereditary cancer-predisposing syndrome. Last evaluated: 2021-08-11. Review status: criteria provided, single submitter. Criteria: ACMG Guidelines, 2015. Collection method: clinical testing. Allele origin: germline.

ITMI
No classification provided. Condition: AllHighlyPenetrant. Last evaluated: 2013-09-19. Review status: no classification provided. Collection method: reference population. Allele origin: germline. Not counted in ClinVar's aggregate classification.
Comment: Please see associated publication for description of ethnicities

Literature cited by the submitters: PubMed 29684080 (cited by Labcorp Genetics (formerly Invitae), Labcorp and Quest Diagnostics Nichols Institute San Juan Capistrano); PubMed 30480620 (cited by Quest Diagnostics Nichols Institute San Juan Capistrano); PubMed 24728327 (cited by 3 submitters).